The following is an entry in ClinVar:

NM_032122.5(DTNBP1):c.512-14T>C

Gene: DTNBP1 (dystrobrevin binding protein 1; minus strand). Cytogenetic location: 6p22.3.
Variant type: single nucleotide variant.
Coding change: c.512-14T>C on transcript NM_032122.5 (MANE Select); 14 bases into the intron before coding-DNA position 512, T replaced by C.
Molecular consequence: intron variant.
Genome position (GRCh38, 1-based): chr6:15,533,409, A>G on the plus strand (T>C on the coding strand, the complement: DTNBP1 is on the minus strand). VCF-style: chr6-15533409-A-G. GRCh37 (hg19) VCF-style: chr6-15533640-A-G.
Other names: c.407-14T>C (NM_001271669.2); c.461-14T>C (NM_001271668.2); c.269-14T>C (NM_001271667.2); c.512-14T>C (NM_183040.2).
Identifiers: ClinVar variation 2982129 (VCV002982129.4), dbSNP rs765320024, ClinGen allele CA3643998.

ClinVar aggregate classification (germline): Likely benign. Review status: criteria provided, multiple submitters, no conflicts (2 of 4 stars). 2 submissions from 2 submitters: Likely benign (2). Last evaluated 2024-05-30.

Allele frequency attached by ClinVar (database versions not stated): gnomAD exomes 0.00001; ExAC 0.00002; gnomAD 0.00002; TOPMed 0.00002.
gnomAD v4.1: 22 of 1,614,090 alleles (0.0014%); highest among the groups gnomAD compares: African/African-American, 0.0027%; no homozygotes.

Submissions (2):

Women's Health and Genetics/Laboratory Corporation of America, LabCorp
Classification: Likely benign. Last evaluated: 2024-05-30. Review status: criteria provided, single submitter. Criteria: LabCorp Variant Classification Summary - May 2015. Collection method: clinical testing. Allele origin: germline.
Comment: Variant summary: DTNBP1 c.512-14T>C alters a non-conserved nucleotide located at a position not widely known to affect splicing. Consensus agreement among computation tools predict no significant impact on normal splicing. However, these predictions have yet to be confirmed by functional studies. The variant allele was found at a frequency of 1.6e-05 in 251496 control chromosomes, predominantly at a frequency of 3.5e-05 within the Non-Finnish European subpopulation in the gnomAD database. The available data on variant occurrences in the general population are insufficient to allow any conclusion about variant significance. To our knowledge, no occurrence of c.512-14T>C in individuals affected with Hermansky-Pudlak Syndrome and no experimental evidence demonstrating its impact on protein function have been reported. ClinVar has one entry for this variant (Variation ID: 2982129). Based on the evidence outlined above, the variant was classified as likely benign.

Labcorp Genetics (formerly Invitae), Labcorp
Classification: Likely benign. Last evaluated: 2024-01-29. Review status: criteria provided, single submitter. Criteria: Invitae Variant Classification Sherloc (09022015). Collection method: clinical testing. Allele origin: germline.